The following is an entry in ClinVar:

NM_003049.4(SLC10A1):c.383del (p.Phe128fs)

Gene: SLC10A1 (solute carrier family 10 member 1; minus strand). Cytogenetic location: 14q24.1.
Variant type: Deletion.
Coding change: c.383del on transcript NM_003049.4 (MANE Select); coding-DNA position 383, one base deleted (T; older notation c.383delT).
Protein change: p.Phe128fs; shifts the reading frame from phenylalanine 128.
Molecular consequence: frameshift variant.
Genome position (GRCh38, 1-based): chr14:69,786,281, A deleted on the plus strand (T on the coding strand, the reverse complement: SLC10A1 is on the minus strand); the first of 2 consecutive A bases (chr14:69,786,281-69,786,282); deleting either gives the same sequence. VCF-style (leftmost placement, unchanged base first): chr14-69786280-GA-G. GRCh37 (hg19) VCF-style: chr14-70252997-GA-G.
Other names: short protein forms F128fs.
Identifiers: ClinVar variation 4985015 (VCV004985015.1).

ClinVar aggregate classification (germline): Likely pathogenic (1 of 4 stars; one submission).

Conditions:
SLC10A1-related disorder. Also called: SLC10A1-related condition.

Submission:

PreventionGenetics, part of Exact Sciences
Classification: Likely pathogenic for SLC10A1-related condition. Last evaluated: 2025-01-14. Review status: criteria provided, single submitter. Criteria: ACMG Guidelines, 2015. Collection method: clinical testing. Allele origin: germline.
Comment: The SLC10A1 c.383delT variant is predicted to result in a frameshift and premature protein termination (p.Phe128Serfs*6). To our knowledge, this variant has not been reported in the literature or in a large population database (gnomAD), indicating this variant is rare. Frameshift variants in SLC10A1 are expected to be pathogenic. This variant is interpreted as likely pathogenic.